The following is an entry in ClinVar:

NM_000038.6(APC):c.3050dup (p.Asn1017fs)

Gene: APC (APC regulator of Wnt signaling pathway; plus strand). Cytogenetic location: 5q22.2.
Variant type: Duplication.
Coding change: c.3050dup on transcript NM_000038.6 (MANE Select); coding-DNA position 3050, one base duplicated (A; older notation c.3050dupA).
Protein change: p.Asn1017fs; shifts the reading frame from asparagine 1017.
Molecular consequence: frameshift variant. On other transcripts: non-coding transcript variant (2).
Genome position (GRCh38, 1-based): chr5:112,838,644, A duplicated; the last of 2 consecutive A bases (chr5:112,838,643-112,838,644); duplicating either gives the same sequence. VCF-style (leftmost placement, unchanged base first): chr5-112838642-T-TA. GRCh37 (hg19) VCF-style: chr5-112174339-T-TA.
Other names: c.3104dup, p.Asn1035fs (NM_001407449.1, NM_001354896.2, NM_001407447.1 and 1 more transcripts); c.3050dup, p.Asn1017fs (NM_001407450.1, NM_001127510.3, NM_001354895.2); c.3029dup, p.Asn1010fs (NM_001407451.1); c.3020dup, p.Asn1007fs (NM_001407452.1); c.2873dup, p.Asn958fs (NM_001407453.1, NM_001354901.2); c.2801dup, p.Asn934fs (NM_001407454.1, NM_001407455.1, NM_001407456.1 and 1 more transcripts); c.3080dup, p.Asn1027fs (NM_001354897.2); c.2975dup, p.Asn992fs (NM_001354898.2); and 11 more; short protein forms N1007fs, N1010fs, N1017fs, N1027fs, N1035fs, N1045fs, N633fs, N734fs.
Identifiers: ClinVar variation 4861431 (VCV004861431.1).

ClinVar aggregate classification (germline): Pathogenic (1 of 4 stars; one submission).

Conditions:
Hereditary cancer-predisposing syndrome. Also called: Neoplastic Syndromes, Hereditary; Tumor predisposition; Hereditary Cancer Syndrome; Hereditary neoplastic syndrome. Identifiers: Orphanet 140162, MedGen C0027672, MeSH D009386, MONDO:0015356.

Submission:

Ambry Genetics
Classification: Pathogenic for Hereditary cancer-predisposing syndrome. Last evaluated: 2026-05-04. Review status: criteria provided, single submitter. Criteria: Ambry Variant Classification Scheme 2023. Collection method: clinical testing. Allele origin: germline.
Comment: The c.3050dupA pathogenic mutation, located in coding exon 15 of the APC gene, results from a duplication of A at nucleotide position 3050, causing a translational frameshift with a predicted alternate stop codon (p.N1017Kfs*2). This variant occurs at the 3' terminus of the gene, is not expected to trigger nonsense-mediated mRNA decay, and impacts the last 64% of the protein. However, premature stop codons are typically deleterious in nature and a significant portion of the protein is affected (Ambry internal data). This variant was reported in individual(s) with features consistent with APC-related familial adenomatous polyposis (Ambry internal data). This variant is considered to be rare based on population cohorts in the Genome Aggregation Database (gnomAD). As such, this alteration is interpreted as a disease-causing mutation.